The following is an entry in ClinVar:

NM_004260.4(RECQL4):c.3518C>T (p.Pro1173Leu)

Gene: RECQL4 (RecQ like helicase 4; minus strand). Cytogenetic location: 8q24.3.
Variant type: single nucleotide variant.
Coding change: c.3518C>T on transcript NM_004260.4 (MANE Select); coding-DNA position 3518, C replaced by T.
Protein change: p.Pro1173Leu; replaces proline 1173 with leucine.
Molecular consequence: missense variant.
Genome position (GRCh38, 1-based): chr8:144,511,540, G>A on the plus strand (C>T on the coding strand, the complement: RECQL4 is on the minus strand). VCF-style: chr8-144511540-G-A. GRCh37 (hg19) VCF-style: chr8-145736923-G-A.
Other names: short protein forms P1173L.
Identifiers: ClinVar variation 528920 (VCV000528920.9), dbSNP rs1375776479, ClinGen allele CA372666125.

ClinVar aggregate classification (germline): Uncertain significance. Review status: criteria provided, multiple submitters, no conflicts (2 of 4 stars). 2 submissions from 2 submitters: Uncertain significance (2). Last evaluated 2025-02-03.

Conditions:
Baller-Gerold syndrome (BGS). Also called: CRANIOSYNOSTOSIS WITH RADIAL DEFECTS. Identifiers: Orphanet 1225, MedGen C0265308, MONDO:0009039, OMIM 218600.

Allele frequency attached by ClinVar (database versions not stated): gnomAD 0.00001; gnomAD exomes 0.00001; TOPMed 0.00001.
gnomAD v4.1: 20 of 1,612,206 alleles (0.0012%); highest among the groups gnomAD compares: South Asian, 0.0066%; 1 homozygote.

Submissions (2):

Labcorp Genetics (formerly Invitae), Labcorp
Classification: Uncertain significance for Baller-Gerold syndrome. Last evaluated: 2025-02-03. Review status: criteria provided, single submitter. Criteria: Invitae Variant Classification Sherloc (09022015). Collection method: clinical testing. Allele origin: germline.
Comment: This sequence change replaces proline, which is neutral and non-polar, with leucine, which is neutral and non-polar, at codon 1173 of the RECQL4 protein (p.Pro1173Leu). This variant is present in population databases (no rsID available, gnomAD 0.006%). This variant has not been reported in the literature in individuals affected with RECQL4-related conditions. ClinVar contains an entry for this variant (Variation ID: 528920). Invitae Evidence Modeling of protein sequence and biophysical properties (such as structural, functional, and spatial information, amino acid conservation, physicochemical variation, residue mobility, and thermodynamic stability) indicates that this missense variant is expected to disrupt RECQL4 protein function with a positive predictive value of 80%. In summary, the available evidence is currently insufficient to determine the role of this variant in disease. Therefore, it has been classified as a Variant of Uncertain Significance.

Blueprint Genetics
Classification: Uncertain significance. Last evaluated: 2021-08-09. Review status: criteria provided, single submitter. Criteria: ACMG Guidelines, 2015. Collection method: clinical testing. Allele origin: germline.